The following is an entry in ClinVar:

NM_000535.7(PMS2):c.2301G>A (p.Leu767=)

Gene: PMS2 (PMS1 homolog 2, mismatch repair system component; minus strand). Cytogenetic location: 7p22.1.
Variant type: single nucleotide variant.
Coding change: c.2301G>A on transcript NM_000535.7 (MANE Select); coding-DNA position 2301, G replaced by A.
Protein change: p.Leu767=; no amino-acid change (leucine 767 retained).
Molecular consequence: synonymous variant.
Genome position (GRCh38, 1-based): chr7:5,977,732, C>T on the plus strand (G>A on the coding strand, the complement: PMS2 is on the minus strand). VCF-style: chr7-5977732-C-T. GRCh37 (hg19) VCF-style: chr7-6017363-C-T.
Other names: c.1896G>A, p.Leu632= (NM_001322003.2, NM_001322004.2, NM_001322005.2); c.2145G>A, p.Leu715= (NM_001322006.2); c.1983G>A, p.Leu661= (NM_001322007.2, NM_001322008.2); c.1929G>A, p.Leu643= (NM_001322009.2); c.1740G>A, p.Leu580= (NM_001322010.2); c.1368G>A, p.Leu456= (NM_001322011.2, NM_001322012.2); c.1728G>A, p.Leu576= (NM_001322013.2); c.2334G>A, p.Leu778= (NM_001322014.2); and 1 more.
Identifiers: ClinVar variation 517947 (VCV000517947.10), dbSNP rs1554293987, ClinGen allele CA453642474.

ClinVar aggregate classification (germline): Benign/Likely benign. Review status: criteria provided, multiple submitters, no conflicts (2 of 4 stars). 5 submissions from 5 submitters: Benign (1); Likely benign (4). Last evaluated 2025-09-11.

Conditions:
Hereditary nonpolyposis colorectal neoplasms. Identifiers: MedGen C0009405, MeSH D003123.
Hereditary cancer-predisposing syndrome. Also called: Tumor predisposition; Hereditary neoplastic syndrome; Neoplastic Syndromes, Hereditary; Hereditary Cancer Syndrome. Identifiers: Orphanet 140162, MedGen C0027672, MeSH D009386, MONDO:0015356.
Lynch syndrome 4 (LYNCH4). Also called: Colorectal cancer, hereditary nonpolyposis, type 4; Hereditary non-polyposis colorectal cancer, type 4. Identifiers: Orphanet 144, MedGen C1838333, MONDO:0013699, OMIM 614337. Disease mechanism: loss of function.

Submissions (5):

Color Diagnostics, LLC DBA Color Health
Classification: Likely benign for Hereditary cancer-predisposing syndrome. Last evaluated: 2025-09-11. Review status: criteria provided, single submitter. Criteria: ACMG Guidelines, 2015. Collection method: clinical testing. Allele origin: germline.

Myriad Genetics, Inc.
Classification: Benign for Lynch syndrome 4. Last evaluated: 2025-02-04. Review status: criteria provided, single submitter. Criteria: Myriad Autosomal Dominant, Autosomal Recessive and X-Linked Classification Criteria (2023). Collection method: clinical testing. Allele origin: unknown.
Comment: This variant is considered benign. This variant is a silent/synonymous amino acid change and it is not expected to impact splicing.

Labcorp Genetics (formerly Invitae), Labcorp
Classification: Likely benign for Hereditary nonpolyposis colorectal neoplasms. Last evaluated: 2023-01-25. Review status: criteria provided, single submitter. Criteria: Invitae Variant Classification Sherloc (09022015). Collection method: clinical testing. Allele origin: germline.

Ambry Genetics
Classification: Likely benign for Hereditary cancer-predisposing syndrome. Last evaluated: 2022-09-28. Review status: criteria provided, single submitter. Criteria: Ambry Variant Classification Scheme 2023. Collection method: clinical testing. Allele origin: germline.

GeneDx
Classification: Likely benign. Last evaluated: 2017-06-08. Review status: criteria provided, single submitter. Criteria: GeneDx Variant Classification (06012015). Collection method: clinical testing. Allele origin: germline. Affected: yes.
Comment: This variant is considered likely benign or benign based on one or more of the following criteria: it is a conservative change, it occurs at a poorly conserved position in the protein, it is predicted to be benign by multiple in silico algorithms, and/or has population frequency not consistent with disease.